The following is an entry in ClinVar:

NM_000368.5(TSC1):c.3419C>T (p.Pro1140Leu)

Gene: TSC1 (TSC complex subunit 1; minus strand). Cytogenetic location: 9q34.13.
Variant type: single nucleotide variant.
Coding change: c.3419C>T on transcript NM_000368.5 (MANE Select); coding-DNA position 3419, C replaced by T.
Protein change: p.Pro1140Leu; replaces proline 1140 with leucine.
Molecular consequence: missense variant.
Genome position (GRCh38, 1-based): chr9:132,896,311, G>A on the plus strand (C>T on the coding strand, the complement: TSC1 is on the minus strand). VCF-style: chr9-132896311-G-A. GRCh37 (hg19) VCF-style: chr9-135771698-G-A.
Other names: c.3416C>T, p.Pro1139Leu (NM_001162426.2); c.3266C>T, p.Pro1089Leu (NM_001162427.2); c.3056C>T, p.Pro1019Leu (NM_001362177.2); short protein forms P1140L, P1019L, P1089L, P1139L.
Identifiers: ClinVar variation 411228 (VCV000411228.24), dbSNP rs751126355, ClinGen allele CA036899.
Genomic context (GRCh38, chr9:132,896,311, plus strand): 5'-TGAGTCTCATTGTAGTCCATGATATGTAGCTGTCCAACACTGTCCGGGGTCGGGGGAGAC[G>A]GGTGAGGGCCATCTAGGTTCAGGGGAATCTTGGCTTCCACACCCAAGTCTTTGCCCAGTT-3'
Protein context (NP_000359.1, residues 1130-1150): KIPLNLDGPH[Pro1140Leu]SPPTPDSVGQ

ClinVar aggregate classification (germline): Benign/Likely benign. Review status: criteria provided, multiple submitters, no conflicts (2 of 4 stars). 7 submissions from 7 submitters: Benign (1); Likely benign (6). Last evaluated 2026-04-14.

Conditions:
TSC1-related disorder. Also called: TSC1-related condition.
Hereditary cancer-predisposing syndrome. Also called: Neoplastic Syndromes, Hereditary; Tumor predisposition; Hereditary Cancer Syndrome; Hereditary neoplastic syndrome. Identifiers: Orphanet 140162, MedGen C0027672, MeSH D009386, MONDO:0015356.
Tuberous sclerosis syndrome (TSC). Also called: Tuberous Sclerosis Complex; Tuberous sclerosis. Identifiers: Orphanet 805, MedGen C0041341, MONDO:0001734.
Tuberous sclerosis 1 (TSC1). Identifiers: Orphanet 805, MedGen C1854465, MONDO:0008612, OMIM 191100.

Allele frequency attached by ClinVar (database versions not stated): gnomAD exomes 0.00001 and 0.00005; TOPMed 0.00002; ExAC 0.00004.
gnomAD v4.1: 21 of 1,614,190 alleles (0.0013%); highest among the groups gnomAD compares: Admixed American, 0.015%; no homozygotes.

Submissions (7):

PreventionGenetics, part of Exact Sciences
Classification: Likely benign for TSC1-related condition. Last evaluated: 2026-04-14. Review status: criteria provided, single submitter. Criteria: ACMG Guidelines, 2015. Collection method: clinical testing. Allele origin: germline.
Comment: This variant is classified as likely benign based on ACMG/AMP sequence variant interpretation guidelines (Richards et al. 2015 PMID: 25741868, with internal and published modifications).

Labcorp Genetics (formerly Invitae), Labcorp
Classification: Benign for Tuberous sclerosis 1. Last evaluated: 2026-01-24. Review status: criteria provided, single submitter. Criteria: Invitae Variant Classification Sherloc (09022015). Collection method: clinical testing. Allele origin: germline.

All of Us Research Program, National Institutes of Health
Classification: Likely benign for Tuberous sclerosis syndrome. Last evaluated: 2023-12-13. Review status: criteria provided, single submitter. Criteria: ACMG Guidelines, 2015. Collection method: clinical testing. Allele origin: germline. Inheritance: Autosomal dominant inheritance. Observed: 3 variant alleles, 3 heterozygotes.
Comment: This study involves interpretation of variants in research participants for the purpose of population health screening. Participant phenotype was not available at the time of variant classification. Additional details can be found in publication PMID: 35346344, PMCID: PMC8962531

Color Diagnostics, LLC DBA Color Health
Classification: Likely benign for Tuberous sclerosis syndrome. Last evaluated: 2023-01-13. Review status: criteria provided, single submitter. Criteria: ACMG Guidelines, 2015. Collection method: clinical testing. Allele origin: germline.

Genome-Nilou Lab
Classification: Likely benign for Tuberous sclerosis 1. Last evaluated: 2021-11-07. Review status: criteria provided, single submitter. Criteria: ACMG Guidelines, 2015. Collection method: clinical testing. Allele origin: germline. Affected: no.

Ambry Genetics
Classification: Likely benign for Hereditary cancer-predisposing syndrome. Last evaluated: 2021-07-28. Review status: criteria provided, single submitter. Criteria: Ambry Variant Classification Scheme 2023. Collection method: clinical testing. Allele origin: germline.

GeneDx
Classification: Likely benign. Last evaluated: 2020-06-15. Review status: criteria provided, single submitter. Criteria: GeneDx Variant Classification Process June 2021. Collection method: clinical testing. Allele origin: germline. Affected: yes.